The following is an entry in ClinVar:

NM_001844.5(COL2A1):c.2934del (p.Gln979fs)

Gene: COL2A1 (collagen type II alpha 1 chain; minus strand). Cytogenetic location: 12q13.11.
Variant type: Deletion.
Coding change: c.2934del on transcript NM_001844.5 (MANE Select); coding-DNA position 2934, one base deleted (T; older notation c.2934delT).
Protein change: p.Gln979fs; shifts the reading frame from glutamine 979.
Molecular consequence: frameshift variant.
Genome position (GRCh38, 1-based): chr12:47,978,360, A deleted on the plus strand (T on the coding strand, the reverse complement: COL2A1 is on the minus strand). VCF-style (leftmost placement, unchanged base first): chr12-47978359-GA-G. GRCh37 (hg19) VCF-style: chr12-48372142-GA-G.
Other names: c.2727del, p.Gln910fs (NM_033150.3); short protein forms Q910fs, Q979fs.
Identifiers: ClinVar variation 854977 (VCV000854977.7), dbSNP rs1938845386, ClinGen allele CA916083300.

ClinVar aggregate classification (germline): Pathogenic (1 of 4 stars; one submission).

Submission:

Labcorp Genetics (formerly Invitae), Labcorp
Classification: Pathogenic. Last evaluated: 2022-07-19. Review status: criteria provided, single submitter. Criteria: Invitae Variant Classification Sherloc (09022015). Collection method: clinical testing. Allele origin: germline.
Comment: ClinVar contains an entry for this variant (Variation ID: 854977). For these reasons, this variant has been classified as Pathogenic. This variant has not been reported in the literature in individuals affected with COL2A1-related conditions. This variant is not present in population databases (gnomAD no frequency). This sequence change creates a premature translational stop signal (p.Gln979Argfs*49) in the COL2A1 gene. It is expected to result in an absent or disrupted protein product. Loss-of-function variants in COL2A1 are known to be pathogenic (PMID: 20179744).

Literature cited by the submitters: PubMed 20179744.